The following is an entry in ClinVar:

NM_000237.3(LPL):c.496G>A (p.Gly166Ser)

Gene: LPL (lipoprotein lipase; plus strand). Cytogenetic location: 8p21.3.
Variant type: single nucleotide variant.
Coding change: c.496G>A on transcript NM_000237.3 (MANE Select); coding-DNA position 496, G replaced by A.
Protein change: p.Gly166Ser; replaces glycine 166 with serine.
Molecular consequence: missense variant.
Genome position (GRCh38, 1-based): chr8:19,953,376, G>A. VCF-style: chr8-19953376-G-A. GRCh37 (hg19) VCF-style: chr8-19810887-G-A.
Other names: short protein forms G166S.
Identifiers: ClinVar variation 4992282 (VCV004992282.1).

ClinVar aggregate classification (germline): Pathogenic (1 of 4 stars; one submission).

Conditions:
LPL-related disorder. Also called: LPL-related condition.

Submission:

PreventionGenetics, part of Exact Sciences
Classification: Pathogenic for LPL-related condition. Last evaluated: 2026-01-30. Review status: criteria provided, single submitter. Criteria: ACMG Guidelines, 2015. Collection method: clinical testing. Allele origin: germline.
Comment: The LPL c.496G>A variant is predicted to result in the amino acid substitution p.Gly166Ser. This variant, also reported as p.Gly139Ser using legacy nomenclature, has been reported in the homozygous state in individuals with lipoprotein lipase deficiency (Bijvoet et al. 1994. PubMed ID: 8125488; Rodrigues et al. 2015. PubMed ID: 27055971; Ariza et al. 2018. PubMed ID: 30150141; Hegele et al. 2018. PubMed ID: 29748148). This variant has also been reported in a study of dyslipidemias; however, the zygosity of the variant was not specified (Table S4, Dron. 2020. PubMed ID: 32041611). This variant has not been reported in a large population database (gnomAD), indicating this variant is rare. This variant is interpreted as pathogenic.